The following is an entry in ClinVar:

NM_001184900.3(CARD8):c.989T>C (p.Ile330Thr)

Gene: CARD8 (caspase recruitment domain family member 8; minus strand). Cytogenetic location: 19q13.33.
Variant type: single nucleotide variant.
Coding change: c.989T>C on transcript NM_001184900.3 (MANE Select); coding-DNA position 989, T replaced by C.
Protein change: p.Ile330Thr; replaces isoleucine 330 with threonine.
Molecular consequence: missense variant. On other transcripts: non-coding transcript variant (4).
Genome position (GRCh38, 1-based): chr19:48,230,484, A>G on the plus strand (T>C on the coding strand, the complement: CARD8 is on the minus strand). VCF-style: chr19-48230484-A-G. GRCh37 (hg19) VCF-style: chr19-48733741-A-G.
Other names: c.839T>C, p.Ile280Thr (NM_001184901.1, NM_001351783.2, NM_001351788.2 and 2 more transcripts); c.989T>C, p.Ile330Thr (NM_001184902.2, NM_001184903.1, NM_001351782.2); c.674T>C, p.Ile225Thr (NM_001351784.2, NM_001351787.2, NM_001351791.2 and 1 more transcripts); c.653T>C, p.Ile218Thr (NM_001351786.2); c.746T>C, p.Ile249Thr (NM_001351790.2); c.671T>C, p.Ile224Thr (NM_001365950.1); short protein forms I218T, I224T, I225T, I249T, I280T, I330T.
Identifiers: ClinVar variation 3628064 (VCV003628064.2).

ClinVar aggregate classification (germline): Uncertain significance (1 of 4 stars; one submission).

gnomAD v4.1: 95 of 1,613,728 alleles (0.0059%); highest among the groups gnomAD compares: Non-Finnish European, 0.0077%; no homozygotes.

Submission:

Labcorp Genetics (formerly Invitae), Labcorp
Classification: Uncertain significance. Last evaluated: 2025-07-31. Review status: criteria provided, single submitter. Criteria: Invitae Variant Classification Sherloc (09022015). Collection method: clinical testing. Allele origin: germline.
Comment: This sequence change replaces isoleucine, which is neutral and non-polar, with threonine, which is neutral and polar, at codon 280 of the CARD8 protein (p.Ile280Thr). This variant is present in population databases (rs746997361, gnomAD 0.009%). This variant has not been reported in the literature in individuals affected with CARD8-related conditions. ClinVar contains an entry for this variant (Variation ID: 3628064). An algorithm developed to predict the effect of missense changes on protein structure and function outputs the following: PolyPhen-2: "Benign". The threonine amino acid residue is found in multiple mammalian species, which suggests that this missense change does not adversely affect protein function. In summary, the available evidence is currently insufficient to determine the role of this variant in disease. Therefore, it has been classified as a Variant of Uncertain Significance.